The following is an entry in ClinVar:

ClinVar aggregate classification (germline): Likely benign. Review status: criteria provided, multiple submitters, no conflicts (2 of 4 stars). 8 submissions from 8 submitters: Likely benign (6). 2 of the submissions do not count toward it. Last evaluated 2025-12-01.

Conditions:
Cardiovascular phenotype. Identifiers: MedGen CN230736.
Cardiomyopathy (CMYO). Also called: Cardiomyopathies. Identifiers: Orphanet 167848, MedGen C0878544, MONDO:0004994, HP:0001638. Inheritance: Various modes of inheritance.
Hypertrophic cardiomyopathy 4. Also called: Familial hypertrophic cardiomyopathy 4. Identifiers: MedGen C1861862, MONDO:0007268, OMIM 115197.
Hypertrophic cardiomyopathy. Also called: HYPERTROPHIC MYOCARDIOPATHY. Identifiers: Orphanet 217569, MedGen C0007194, MeSH D002312, MONDO:0005045, HP:0001639.

Allele frequency attached by ClinVar (database versions not stated): ExAC 0.00002; gnomAD 0.00003 and 0.00004; gnomAD exomes 0.00003; TOPMed 0.00006.
gnomAD v4.1: 47 of 1,605,530 alleles (0.0029%); highest among the groups gnomAD compares: Admixed American, 0.01%; no homozygotes.

Submissions (8):

Labcorp Genetics (formerly Invitae), Labcorp
Classification: Likely benign for Hypertrophic cardiomyopathy. Last evaluated: 2025-12-01. Review status: criteria provided, single submitter. Criteria: Invitae Variant Classification Sherloc (09022015). Collection method: clinical testing. Allele origin: germline.

Blueprint Genetics
Classification: Likely benign. Last evaluated: 2024-10-28. Review status: criteria provided, single submitter. Criteria: ACMG Guidelines, 2015. Collection method: clinical testing. Allele origin: germline.

Ambry Genetics
Classification: Likely benign for Cardiovascular phenotype. Last evaluated: 2021-02-17. Review status: criteria provided, single submitter. Criteria: Ambry Variant Classification Scheme 2023. Collection method: clinical testing. Allele origin: germline.

Color Diagnostics, LLC DBA Color Health
Classification: Likely benign for Cardiomyopathy. Last evaluated: 2019-09-09. Review status: criteria provided, single submitter. Criteria: ACMG Guidelines, 2015. Collection method: clinical testing. Allele origin: germline.

Genome Diagnostics Laboratory, University Medical Center Utrecht
Classification: Likely benign for Hypertrophic cardiomyopathy 4. Last evaluated: 2017-10-13. Review status: criteria provided, single submitter. Criteria: ACGS Guidelines, 2013. Collection method: clinical testing. Allele origin: germline. Affected: yes. Study: VKGL Data-share Consensus.

Laboratory for Molecular Medicine, Mass General Brigham Personalized Medicine
Classification: Likely benign. Last evaluated: 2015-10-28. Review status: criteria provided, single submitter. Criteria: LMM Criteria. Collection method: clinical testing. Allele origin: germline. Observed: 2 variant alleles.
Comment: p.Arg215Arg in exon 5 of MYBPC3: This variant is not expected to have clinical s ignificance because it does not alter an amino acid residue and is not located w ithin the splice consensus sequence. It has been identified in 1/61574 European chromosomes by the Exome Aggregation Consortium (ExAC; rs397516064).

Clinical Genetics, Academic Medical Center
Classification: Benign. Review status: no assertion criteria provided. Collection method: clinical testing. Allele origin: germline. Affected: yes. Study: VKGL Data-share Consensus. Not counted in ClinVar's aggregate classification.

Joint Genome Diagnostic Labs from Nijmegen and Maastricht, Radboudumc and MUMC+
Classification: Likely benign. Review status: no assertion criteria provided. Collection method: clinical testing. Allele origin: germline. Affected: yes. Study: VKGL Data-share Consensus. Not counted in ClinVar's aggregate classification.

NM_000256.3(MYBPC3):c.645C>T (p.Arg215=)

Gene: MYBPC3 (myosin binding protein C3; minus strand). Cytogenetic location: 11p11.2.
Variant type: single nucleotide variant.
Coding change: c.645C>T on transcript NM_000256.3 (MANE Select); coding-DNA position 645, C replaced by T.
Protein change: p.Arg215=; no amino-acid change (arginine 215 retained).
Molecular consequence: synonymous variant.
Genome position (GRCh38, 1-based): chr11:47,349,783, G>A on the plus strand (C>T on the coding strand, the complement: MYBPC3 is on the minus strand). VCF-style: chr11-47349783-G-A. GRCh37 (hg19) VCF-style: chr11-47371334-G-A.
Identifiers: ClinVar variation 42778 (VCV000042778.24), dbSNP rs397516064, ClinGen allele CA015597.